The following is an entry in ClinVar:

NM_001267550.2(TTN):c.13751G>A (p.Gly4584Asp)

Gene: TTN (titin; minus strand). Cytogenetic location: 2q31.2.
Variant type: single nucleotide variant.
Coding change: c.13751G>A on transcript NM_001267550.2 (MANE Select); coding-DNA position 13751, G replaced by A.
Protein change: p.Gly4584Asp; replaces glycine 4584 with aspartic acid.
Molecular consequence: missense variant. On other transcripts: intron variant (1).
Genome position (GRCh38, 1-based): chr2:178,739,482, C>T on the plus strand (G>A on the coding strand, the complement: TTN is on the minus strand). VCF-style: chr2-178739482-C-T. GRCh37 (hg19) VCF-style: chr2-179604209-C-T.
Other names: c.12800G>A, p.Gly4267Asp (NM_001256850.1); c.12662G>A, p.Gly4221Asp (NM_003319.4); c.13037G>A, p.Gly4346Asp (NM_133432.3); c.13238G>A, p.Gly4413Asp (NM_133437.4); c.10361-1122G>A (NM_133378.4); short protein forms G4584D, G4267D, G4346D, G4221D, G4413D.
Identifiers: ClinVar variation 1764110 (VCV001764110.2), dbSNP rs879217694, ClinGen allele CA60983484.
Genomic context (GRCh38, chr2:178,739,482, plus strand): 5'-TCCTCTTTGATTAAGCCACCCTCAGCTTCCTGTATCTTTACTGTAGCAACCTCCTCAGTA[C>T]CACTTTCAGAGGAAGACTCCTCTTTTTCCTCTGATGGTTTCAGACTCTCATCTTGTTTTT-3'
Protein context (NP_001254479.2, residues 4574-4594): EEKEESSSES[Gly4584Asp]TEEVATVKIQ

ClinVar aggregate classification (germline): Uncertain significance (1 of 4 stars; one submission).

Conditions:
Cardiovascular phenotype. Identifiers: MedGen CN230736.

Allele frequency attached by ClinVar (database versions not stated): gnomAD 0.00001; TOPMed 0.00001.
gnomAD v4.1: 1 of 1,613,662 alleles (0.000062%); highest among the groups gnomAD compares: African/African-American, 0.0013%; no homozygotes.

Submission:

Ambry Genetics
Classification: Uncertain significance for Cardiovascular phenotype. Last evaluated: 2020-02-06. Review status: criteria provided, single submitter. Criteria: Ambry Variant Classification Scheme 2023. Collection method: clinical testing. Allele origin: germline.
Comment: The p.G4221D variant (also known as c.12662G>A), located in coding exon 44 of the TTN gene, results from a G to A substitution at nucleotide position 12662. The glycine at codon 4221 is replaced by aspartic acid, an amino acid with similar properties. This amino acid position is poorly conserved in available vertebrate species. In addition, this alteration is predicted to be tolerated by in silico analysis. Since supporting evidence is limited at this time, the clinical significance of this alteration remains unclear.